The following is an entry in ClinVar:

ClinVar aggregate classification (germline): Uncertain significance (1 of 4 stars; one submission).

Conditions:
Charcot-Marie-Tooth disease axonal type 2O. Also called: CHARCOT-MARIE-TOOTH NEUROPATHY, AXONAL, TYPE 2O; CHARCOT-MARIE-TOOTH DISEASE, AXONAL, AUTOSOMAL DOMINANT, TYPE 2O; Charcot-Marie-Tooth Neuropathy Type 2O; Charcot-Marie-Tooth disease, axonal, type 20. Identifiers: Orphanet 284232, MedGen C3280220, MONDO:0013644, OMIM 614228.

Allele frequency attached by ClinVar (database versions not stated): gnomAD exomes below 0.00001.
gnomAD v4.1: 1 of 1,614,226 alleles (0.000062%); highest among the groups gnomAD compares: South Asian, 0.0011%; no homozygotes.

Submission:

Labcorp Genetics (formerly Invitae), Labcorp
Classification: Uncertain significance for Charcot-Marie-Tooth disease axonal type 2O. Last evaluated: 2020-10-16. Review status: criteria provided, single submitter. Criteria: Invitae Variant Classification Sherloc (09022015). Collection method: clinical testing. Allele origin: germline.
Comment: In summary, the available evidence is currently insufficient to determine the role of this variant in disease. Therefore, it has been classified as a Variant of Uncertain Significance. Advanced modeling of protein sequence and biophysical properties (such as structural, functional, and spatial information, amino acid conservation, physicochemical variation, residue mobility, and thermodynamic stability) performed at Invitae indicates that this missense variant is not expected to disrupt DYNC1H1 protein function. This variant has not been reported in the literature in individuals with DYNC1H1-related conditions. This variant is not present in population databases (ExAC no frequency). This sequence change replaces threonine with isoleucine at codon 1731 of the DYNC1H1 protein (p.Thr1731Ile). The threonine residue is highly conserved and there is a moderate physicochemical difference between threonine and isoleucine.

NM_001376.5(DYNC1H1):c.5192C>T (p.Thr1731Ile)

Gene: DYNC1H1 (dynein cytoplasmic 1 heavy chain 1; plus strand). Cytogenetic location: 14q32.31.
Variant type: single nucleotide variant.
Coding change: c.5192C>T on transcript NM_001376.5 (MANE Select); coding-DNA position 5192, C replaced by T.
Protein change: p.Thr1731Ile; replaces threonine 1731 with isoleucine.
Molecular consequence: missense variant.
Genome position (GRCh38, 1-based): chr14:102,004,904, C>T. VCF-style: chr14-102004904-C-T. GRCh37 (hg19) VCF-style: chr14-102471241-C-T.
Other names: short protein forms T1731I.
Identifiers: ClinVar variation 1060562 (VCV001060562.9), dbSNP rs2141288753, ClinGen allele CA391045619.